The following is an entry in ClinVar:

NM_007294.4(BRCA1):c.134+1704dup

Gene: BRCA1 (BRCA1 DNA repair associated; minus strand). Cytogenetic location: 17q21.31.
Variant type: Duplication.
Coding change: c.134+1704dup on transcript NM_007294.4 (MANE Select); 1704 bases into the intron after coding-DNA position 134, one base duplicated (G; older notation c.134+1704dupG).
Molecular consequence: intron variant.
Genome position (GRCh38, 1-based): chr17:43,114,022, C duplicated on the plus strand (G on the coding strand, the reverse complement: BRCA1 is on the minus strand); the first of 2 consecutive C bases (chr17:43,114,022-43,114,023); duplicating either gives the same sequence. VCF-style (leftmost placement, unchanged base first): chr17-43114021-G-GC. GRCh37 (hg19) VCF-style: chr17-41266038-G-GC.
Other names: IVS 3+1704insG; c.134+1704_134+1705insG (NM_007294.3); c.-124+1704dup (NM_001407746.1, NM_001408468.1, NM_001407842.1 and 13 more transcripts); c.-7-7489dup (NM_001408461.1, NM_001407738.1, NM_001407932.1 and 30 more transcripts); c.-55+1704dup (NM_001407886.1, NM_001408509.1, NM_001408508.1 and 52 more transcripts); c.134+1704dup (NM_001407686.1, NM_001408397.1, NM_001407632.1 and 191 more transcripts); c.81-9066dup (NM_001408451.1); c.-54-7489dup (NM_001407898.1, NM_001407881.1, NM_001407902.1); and 11 more.
Identifiers: ClinVar variation 209527 (VCV000209527.2), dbSNP rs113808892, ClinGen allele CA276496.

ClinVar aggregate classification (germline): Benign (3 of 4 stars; one submission).

Conditions:
Breast-ovarian cancer, familial, susceptibility to, 1 (BROVCA1). Also called: BRCA1 Hereditary Breast and Ovarian Cancer; OVARIAN CANCER, SUSCEPTIBILITY TO. Identifiers: Orphanet 145, MedGen C2676676, MONDO:0011450, OMIM 604370. Disease mechanism: loss of function.

Submission:

Evidence-based Network for the Interpretation of Germline Mutant Alleles (ENIGMA)
Classification: Benign for Breast-ovarian cancer, familial 1. Last evaluated: 2015-01-12. Review status: reviewed by expert panel. Criteria: ENIGMA BRCA1/2 Classification Criteria (2015). Collection method: curation. Allele origin: germline.
Comment: Class 1 not pathogenic based on frequency >1% in an outbred sampleset. Frequency 0.02 (African), derived from 1000 genomes (2012-04-30).